The following is an entry in ClinVar:

ClinVar aggregate classification (germline): Uncertain significance (1 of 4 stars; one submission).

Conditions:
Epilepsy, familial adult myoclonic, 5 (EPEO5). Also called: CORTICAL MYOCLONIC TREMOR WITH EPILEPSY, FAMILIAL, 5. Identifiers: Orphanet 86814, MedGen C3809374, MONDO:0014167, OMIM 615400.

Allele frequency attached by ClinVar (database versions not stated): gnomAD exomes 0.00001 and 0.00003; ExAC 0.00003; ESP Exome Variant Server 0.00008; gnomAD 0.00009; TOPMed 0.00013.
gnomAD v4.1: 26 of 1,613,794 alleles (0.0016%); highest among the groups gnomAD compares: African/African-American, 0.031%; no homozygotes.

Submission:

Labcorp Genetics (formerly Invitae), Labcorp
Classification: Uncertain significance for Epilepsy, familial adult myoclonic, 5. Last evaluated: 2025-01-06. Review status: criteria provided, single submitter. Criteria: Invitae Variant Classification Sherloc (09022015). Collection method: clinical testing. Allele origin: germline.
Comment: This sequence change replaces proline, which is neutral and non-polar, with serine, which is neutral and polar, at codon 142 of the CNTN2 protein (p.Pro142Ser). This variant is present in population databases (rs143259493, gnomAD 0.04%). This variant has not been reported in the literature in individuals affected with CNTN2-related conditions. ClinVar contains an entry for this variant (Variation ID: 574017). Invitae Evidence Modeling of protein sequence and biophysical properties (such as structural, functional, and spatial information, amino acid conservation, physicochemical variation, residue mobility, and thermodynamic stability) indicates that this missense variant is not expected to disrupt CNTN2 protein function with a negative predictive value of 95%. In summary, the available evidence is currently insufficient to determine the role of this variant in disease. Therefore, it has been classified as a Variant of Uncertain Significance.

NM_005076.5(CNTN2):c.424C>T (p.Pro142Ser)

Gene: CNTN2 (contactin 2; plus strand). Cytogenetic location: 1q32.1.
Variant type: single nucleotide variant.
Coding change: c.424C>T on transcript NM_005076.5 (MANE Select); coding-DNA position 424, C replaced by T.
Protein change: p.Pro142Ser; replaces proline 142 with serine.
Molecular consequence: missense variant. On other transcripts: non-coding transcript variant (1).
Genome position (GRCh38, 1-based): chr1:205,058,600, C>T. VCF-style: chr1-205058600-C-T. GRCh37 (hg19) VCF-style: chr1-205027728-C-T.
Other names: c.424C>T, p.Pro142Ser (NM_001346083.2); short protein forms P142S.
Identifiers: ClinVar variation 574017 (VCV000574017.9), dbSNP rs143259493, ClinGen allele CA1351046.